The following is an entry in ClinVar:

ClinVar aggregate classification (germline): Pathogenic. Review status: criteria provided, multiple submitters, no conflicts (2 of 4 stars). 3 submissions from 3 submitters: Pathogenic (3). Last evaluated 2025-12-08.

Conditions:
Hereditary cancer-predisposing syndrome. Also called: Neoplastic Syndromes, Hereditary; Tumor predisposition; Hereditary Cancer Syndrome; Hereditary neoplastic syndrome. Identifiers: Orphanet 140162, MedGen C0027672, MeSH D009386, MONDO:0015356.
Cardiovascular phenotype. Identifiers: MedGen CN230736.
LZTR1-related schwannomatosis. Also called: Schwannomatosis-2, susceptibility to; Schwannomatosis 2. Identifiers: Orphanet 93921, MedGen C3810283, MONDO:0014299, OMIM 615670.

Allele frequency attached by ClinVar (database versions not stated): gnomAD exomes below 0.00001.
gnomAD v4.1: 3 of 1,612,286 alleles (0.00019%); highest among the groups gnomAD compares: Non-Finnish European, 0.00017%; no homozygotes.

Submissions (3):

Labcorp Genetics (formerly Invitae), Labcorp
Classification: Pathogenic. Last evaluated: 2025-12-08. Review status: criteria provided, single submitter. Criteria: Invitae Variant Classification Sherloc (09022015). Collection method: clinical testing. Allele origin: germline.
Comment: This sequence change creates a premature translational stop signal (p.Tyr551*) in the LZTR1 gene. It is expected to result in an absent or disrupted protein product. Loss-of-function variants in LZTR1 are known to be pathogenic (PMID: 24362817, 25335493, 25480913, 25795793, 29469822, 30368668, 30442762, 30442766, 30481304, 30859559). This variant is present in population databases (no rsID available, gnomAD 0.0009%). This premature translational stop signal has been observed in individual(s) with schwannomatosis (PMID: 30006736). ClinVar contains an entry for this variant (Variation ID: 3015075). For these reasons, this variant has been classified as Pathogenic.

Ambry Genetics
Classification: Pathogenic for Cardiovascular phenotype; Hereditary cancer-predisposing syndrome. Last evaluated: 2023-08-15. Review status: criteria provided, single submitter. Criteria: Ambry Variant Classification Scheme 2023. Collection method: clinical testing. Allele origin: germline.
Comment: The p.Y551* pathogenic mutation (also known as c.1653C>A), located in coding exon 15 of the LZTR1 gene, results from a C to A substitution at nucleotide position 1653. This changes the amino acid from a tyrosine to a stop codon within coding exon 15. Loss-of-function variants in LZTR1 are related to an increased risk for schwannomas and autosomal recessive Noonan syndrome; however, such associations with autosomal dominant Noonan syndrome have not been observed (Piotrowski A et al. Nat Genet. 2014 Feb;46:182-7; Yamamoto GL et al. J Med Genet. 2015 Jun;52:413-21; Johnston JJ et al. Genet Med. 2018 10;20:1175-1185). This alteration is expected to result in loss of function by premature protein truncation or nonsense-mediated mRNA decay. Based on the supporting evidence, this variant is pathogenic for an increased risk of LZTR1-related schwannomatosis (SWN) and would be expected to cause autosomal recessive Noonan syndrome when present along with a second pathogenic or likely pathogenic variant on the other allele; however, the association of this alteration with autosomal dominant Noonan syndrome is unlikely.

Clinical Genetics Service, Universitary Hospital 12 de Octubre
Classification: Pathogenic for LZTR1-related schwannomatosis. Review status: criteria provided, single submitter. Criteria: ACMG Guidelines, 2015. Collection method: clinical testing. Allele origin: germline. Affected: yes.

Literature cited by the submitters: PubMed 24362817 (cited by Labcorp Genetics (formerly Invitae), Labcorp); PubMed 25335493 (cited by Labcorp Genetics (formerly Invitae), Labcorp); PubMed 25480913 (cited by Labcorp Genetics (formerly Invitae), Labcorp); PubMed 25795793 (cited by Labcorp Genetics (formerly Invitae), Labcorp); PubMed 29469822 (cited by Labcorp Genetics (formerly Invitae), Labcorp); PubMed 30368668 (cited by Labcorp Genetics (formerly Invitae), Labcorp); PubMed 30442762 (cited by Labcorp Genetics (formerly Invitae), Labcorp); PubMed 30442766 (cited by Labcorp Genetics (formerly Invitae), Labcorp); PubMed 30481304 (cited by Labcorp Genetics (formerly Invitae), Labcorp); PubMed 30859559 (cited by Labcorp Genetics (formerly Invitae), Labcorp); PubMed 30006736 (cited by Labcorp Genetics (formerly Invitae), Labcorp).

NM_006767.4(LZTR1):c.1653C>A (p.Tyr551Ter)

Gene: LZTR1 (leucine zipper like post translational regulator 1; plus strand). Cytogenetic location: 22q11.21.
Variant type: single nucleotide variant.
Coding change: c.1653C>A on transcript NM_006767.4 (MANE Select); coding-DNA position 1653, C replaced by A.
Protein change: p.Tyr551Ter; replaces tyrosine 551 with a stop codon.
Molecular consequence: nonsense.
Genome position (GRCh38, 1-based): chr22:20,994,595, C>A. VCF-style: chr22-20994595-C-A. GRCh37 (hg19) VCF-style: chr22-21348884-C-A.
Other names: c.1653C>A (NM_006767.3); short protein forms Y551*.
Identifiers: ClinVar variation 3015075 (VCV003015075.5), dbSNP rs1411200130, ClinGen allele CA410776665.